The following is an entry in ClinVar:

ClinVar aggregate classification (germline): Uncertain significance. Review status: criteria provided, multiple submitters, no conflicts (2 of 4 stars). 4 submissions from 4 submitters: Uncertain significance (3). 1 of the submissions does not count toward it. Last evaluated 2025-01-23.

Conditions:
Renal tubular acidosis with progressive nerve deafness. Also called: Distal Renal Tubular Acidosis with Progressive Sensorineural Deafness; RENAL TUBULAR ACIDOSIS, AUTOSOMAL RECESSIVE, WITH PROGRESSIVE NERVE DEAFNESS; RTA WITH PROGRESSIVE NERVE DEAFNESS; renal tubular acidosis, distal, 2, with progressive sensorineural hearing loss. Identifiers: MedGen C0403554, MONDO:0009968, OMIM 267300.

Allele frequency attached by ClinVar (database versions not stated): ExAC 0.00002; ESP Exome Variant Server 0.00008; gnomAD exomes 0.00004 and 0.00002; TOPMed 0.00005; gnomAD 0.00004.

Submissions (4):

GeneDx
Classification: Uncertain significance. Last evaluated: 2025-01-23. Review status: criteria provided, single submitter. Criteria: GeneDx Variant Classification Process June 2021. Collection method: clinical testing. Allele origin: germline.
Comment: Not observed at significant frequency in large population cohorts (gnomAD); In silico analysis supports that this missense variant has a deleterious effect on protein structure/function; Has not been previously published as pathogenic or benign to our knowledge

Blueprint Genetics
Classification: Uncertain significance. Last evaluated: 2023-11-23. Review status: criteria provided, single submitter. Criteria: ACMG Guidelines, 2015. Collection method: clinical testing. Allele origin: germline.

Labcorp Genetics (formerly Invitae), Labcorp
Classification: Uncertain significance. Last evaluated: 2021-08-26. Review status: criteria provided, single submitter. Criteria: Invitae Variant Classification Sherloc (09022015). Collection method: clinical testing. Allele origin: germline.
Comment: This sequence change replaces glycine with serine at codon 180 of the ATP6V1B1 protein (p.Gly180Ser). The glycine residue is highly conserved and there is a small physicochemical difference between glycine and serine. This variant is present in population databases (rs267599435, ExAC 0.02%). This variant has not been reported in the literature in individuals affected with ATP6V1B1-related conditions. Algorithms developed to predict the effect of missense changes on protein structure and function are either unavailable or do not agree on the potential impact of this missense change (SIFT: "Deleterious"; PolyPhen-2: "Probably Damaging"; Align-GVGD: "Class C0"). Algorithms developed to predict the effect of sequence changes on RNA splicing suggest that this variant may create or strengthen a splice site. In summary, the available evidence is currently insufficient to determine the role of this variant in disease. Therefore, it has been classified as a Variant of Uncertain Significance.

Natera, Inc.
Classification: Uncertain significance for Renal tubular acidosis with progressive nerve deafness. Last evaluated: 2020-03-18. Review status: no assertion criteria provided. Collection method: clinical testing. Allele origin: germline. Not counted in ClinVar's aggregate classification.

NM_001692.4(ATP6V1B1):c.538G>A (p.Gly180Ser)

Gene: ATP6V1B1 (ATPase H+ transporting V1 subunit B1; plus strand). Cytogenetic location: 2p13.3.
Variant type: single nucleotide variant.
Coding change: c.538G>A on transcript NM_001692.4 (MANE Select); coding-DNA position 538, G replaced by A.
Protein change: p.Gly180Ser; replaces glycine 180 with serine.
Molecular consequence: missense variant.
Genome position (GRCh38, 1-based): chr2:70,960,031, G>A. VCF-style: chr2-70960031-G-A. GRCh37 (hg19) VCF-style: chr2-71187161-G-A.
Other names: c.538G>A (NM_001692.3); short protein forms G180S.
Identifiers: ClinVar variation 1061934 (VCV001061934.6), dbSNP rs267599435, ClinGen allele CA1701081.